The following is an entry in ClinVar:

ClinVar aggregate classification (germline): Uncertain significance. Review status: criteria provided, multiple submitters, no conflicts (2 of 4 stars). 2 submissions from 2 submitters: Uncertain significance (2). Last evaluated 2025-03-17.

Conditions:
Inborn genetic diseases. Identifiers: MedGen C0950123, MeSH D030342.

Allele frequency attached by ClinVar (database versions not stated): gnomAD exomes below 0.00001; gnomAD 0.00002; TOPMed 0.00004.
gnomAD v4.1: 6 of 1,606,678 alleles (0.00037%); highest among the groups gnomAD compares: Admixed American, 0.0068%; no homozygotes.

Submissions (2):

Labcorp Genetics (formerly Invitae), Labcorp
Classification: Uncertain significance. Last evaluated: 2025-03-17. Review status: criteria provided, single submitter. Criteria: Invitae Variant Classification Sherloc (09022015). Collection method: clinical testing. Allele origin: germline.
Comment: This sequence change replaces threonine, which is neutral and polar, with isoleucine, which is neutral and non-polar, at codon 3290 of the ADGRV1 protein (p.Thr3290Ile). This variant is not present in population databases (gnomAD no frequency). This variant has not been reported in the literature in individuals affected with ADGRV1-related conditions. ClinVar contains an entry for this variant (Variation ID: 1014287). Invitae Evidence Modeling of protein sequence and biophysical properties (such as structural, functional, and spatial information, amino acid conservation, physicochemical variation, residue mobility, and thermodynamic stability) indicates that this missense variant is not expected to disrupt ADGRV1 protein function with a negative predictive value of 95%. In summary, the available evidence is currently insufficient to determine the role of this variant in disease. Therefore, it has been classified as a Variant of Uncertain Significance.

Ambry Genetics
Classification: Uncertain significance for Inborn genetic diseases. Last evaluated: 2025-01-27. Review status: criteria provided, single submitter. Criteria: Ambry Variant Classification Scheme 2023. Collection method: clinical testing. Allele origin: germline.

NM_032119.4(ADGRV1):c.9869C>T (p.Thr3290Ile)

Gene: ADGRV1 (adhesion G protein-coupled receptor V1; plus strand). Cytogenetic location: 5q14.3.
Variant type: single nucleotide variant.
Coding change: c.9869C>T on transcript NM_032119.4 (MANE Select); coding-DNA position 9869, C replaced by T.
Protein change: p.Thr3290Ile; replaces threonine 3290 with isoleucine.
Molecular consequence: missense variant. On other transcripts: non-coding transcript variant (1).
Genome position (GRCh38, 1-based): chr5:90,724,952, C>T. VCF-style: chr5-90724952-C-T. GRCh37 (hg19) VCF-style: chr5-90020769-C-T.
Other names: c.9869C>T (NM_032119.3); short protein forms T3290I.
Identifiers: ClinVar variation 1014287 (VCV001014287.6), dbSNP rs905061302, ClinGen allele CA122808935.